The following is an entry in ClinVar:

NM_002103.5(GYS1):c.1910C>T (p.Pro637Leu)

Gene: GYS1 (glycogen synthase 1; minus strand). Cytogenetic location: 19q13.33.
Variant type: single nucleotide variant.
Coding change: c.1910C>T on transcript NM_002103.5 (MANE Select); coding-DNA position 1910, C replaced by T.
Protein change: p.Pro637Leu; replaces proline 637 with leucine.
Molecular consequence: missense variant. On other transcripts: non-coding transcript variant (1).
Genome position (GRCh38, 1-based): chr19:48,969,592, G>A on the plus strand (C>T on the coding strand, the complement: GYS1 is on the minus strand). VCF-style: chr19-48969592-G-A. GRCh37 (hg19) VCF-style: chr19-49472849-G-A.
Other names: c.1718C>T, p.Pro573Leu (NM_001161587.2); short protein forms P573L, P637L.
Identifiers: ClinVar variation 1400706 (VCV001400706.5), dbSNP rs2038521859, ClinGen allele CA406759634.
Genomic context (GRCh38, chr19:48,969,592, plus strand): 5'-CTCTGGTGCGGGCTGGAGTGTCGTGACAGCGAGGGCGACGGTGGCACCGAGGCTGGCCGT[G>A]GGTAGCGGTACCCCTGGGCCTGCATACGGCGATGTGGGTGCAAACCAGGGTGAGCTGAGG-3'
Protein context (NP_002094.2, residues 627-647): EADAAQGYRY[Pro637Leu]RPASVPPSPS

ClinVar aggregate classification (germline): Uncertain significance (1 of 4 stars; one submission).

Conditions:
Glycogen storage disease due to muscle and heart glycogen synthase deficiency. Also called: GSD 0b; MUSCLE GLYCOGEN SYNTHASE DEFICIENCY. Identifiers: Orphanet 137625, MedGen C1969054, MONDO:0012693, OMIM 611556.

Allele frequency attached by ClinVar (database versions not stated): TOPMed below 0.00001; gnomAD 0.00001.

Submission:

Labcorp Genetics (formerly Invitae), Labcorp
Classification: Uncertain significance for Glycogen storage disease due to muscle and heart glycogen synthase deficiency. Last evaluated: 2021-08-24. Review status: criteria provided, single submitter. Criteria: Invitae Variant Classification Sherloc (09022015). Collection method: clinical testing. Allele origin: germline.
Comment: This sequence change replaces proline with leucine at codon 637 of the GYS1 protein (p.Pro637Leu). The proline residue is moderately conserved and there is a moderate physicochemical difference between proline and leucine. This variant is not present in population databases (ExAC no frequency). This variant has not been reported in the literature in individuals affected with GYS1-related conditions. Algorithms developed to predict the effect of missense changes on protein structure and function are either unavailable or do not agree on the potential impact of this missense change (SIFT: "Deleterious"; PolyPhen-2: "Probably Damaging"; Align-GVGD: "Class C0"). In summary, the available evidence is currently insufficient to determine the role of this variant in disease. Therefore, it has been classified as a Variant of Uncertain Significance.